The following is an entry in ClinVar:

NM_014804.3(KIAA0753):c.790C>T (p.Arg264Cys)

Gene: KIAA0753 (KIAA0753; minus strand). Cytogenetic location: 17p13.1.
Variant type: single nucleotide variant.
Coding change: c.790C>T on transcript NM_014804.3 (MANE Select); coding-DNA position 790, C replaced by T.
Protein change: p.Arg264Cys; replaces arginine 264 with cysteine.
Molecular consequence: missense variant. On other transcripts: 5 prime UTR variant (1), non-coding transcript variant (1).
Genome position (GRCh38, 1-based): chr17:6,624,790, G>A on the plus strand (C>T on the coding strand, the complement: KIAA0753 is on the minus strand). VCF-style: chr17-6624790-G-A. GRCh37 (hg19) VCF-style: chr17-6528110-G-A.
Other names: c.-445C>T (NM_001351225.2); short protein forms R264C.
Identifiers: ClinVar variation 2193214 (VCV002193214.2), dbSNP rs571768566, ClinGen allele CA8330703.
Genomic context (GRCh38, chr17:6,624,790, plus strand): 5'-CTACTTCTCCCTGAACTTTTCACACCTGCTGCTGGAGGACGTAGAGCATTCGGGCAGAGC[G>A]AGCAGCTTGCTCCTGTCTCCTGATACGGATTCGACGTTCTTCATCTGGATCCAAAGCTTC-3'
Protein context (NP_055619.2, residues 254-274): IRIRRQEQAA[Arg264Cys]SARMLYVLQQ

ClinVar aggregate classification (germline): Uncertain significance. Review status: criteria provided, multiple submitters, no conflicts (2 of 4 stars). 2 submissions from 2 submitters: Uncertain significance (2). Last evaluated 2024-10-02.

Allele frequency attached by ClinVar (database versions not stated): TOPMed 0.00002; gnomAD 0.00003; gnomAD exomes 0.00004; 1000 Genomes Project 30x 0.00016; 1000 Genomes Project 0.00020; ExAC 0.00021.
gnomAD v4.1: 62 of 1,563,138 alleles (0.004%); highest among the groups gnomAD compares: Middle Eastern, 0.017%; no homozygotes.

Submissions (2):

Blueprint Genetics
Classification: Uncertain significance. Last evaluated: 2024-10-02. Review status: criteria provided, single submitter. Criteria: ACMG Guidelines, 2015. Collection method: clinical testing. Allele origin: germline.

Labcorp Genetics (formerly Invitae), Labcorp
Classification: Uncertain significance. Last evaluated: 2022-04-22. Review status: criteria provided, single submitter. Criteria: Invitae Variant Classification Sherloc (09022015). Collection method: clinical testing. Allele origin: germline.
Comment: This sequence change replaces arginine, which is basic and polar, with cysteine, which is neutral and slightly polar, at codon 264 of the KIAA0753 protein (p.Arg264Cys). This variant is present in population databases (rs571768566, gnomAD 0.01%). This variant has not been reported in the literature in individuals affected with KIAA0753-related conditions. Algorithms developed to predict the effect of missense changes on protein structure and function (SIFT, PolyPhen-2, Align-GVGD) all suggest that this variant is likely to be disruptive. In summary, the available evidence is currently insufficient to determine the role of this variant in disease. Therefore, it has been classified as a Variant of Uncertain Significance.